The following is an entry in ClinVar:

NM_004006.3(DMD):c.3458_3462del (p.Lys1153fs)

Gene: DMD (dystrophin; minus strand). Cytogenetic location: Xp21.1.
Variant type: Deletion.
Coding change: c.3458_3462del on transcript NM_004006.3 (MANE Select); coding-DNA positions 3458 to 3462, 5 bases deleted (AGGGA; older notation c.3458_3462delAGGGA).
Protein change: p.Lys1153fs; shifts the reading frame from lysine 1153.
Molecular consequence: frameshift variant.
Genome position (GRCh38, 1-based): chrX:32,454,803-32,454,807, TCCCT deleted on the plus strand (AGGGA on the coding strand, the reverse complement: DMD is on the minus strand); deleting any 5 consecutive bases within chrX:32,454,803-32,454,809 gives the same sequence; the c. name uses the placement nearest the transcript's 3' end. VCF-style (leftmost placement, unchanged base first): chrX-32454802-CTCCCT-C. GRCh37 (hg19) VCF-style: chrX-32472919-CTCCCT-C.
Other names: c.3434_3438del, p.Lys1145fs (NM_000109.4); c.3446_3450del, p.Lys1149fs (NM_004009.3); c.3089_3093del, p.Lys1030fs (NM_004010.3); short protein forms K1145fs, K1153fs, K1030fs, K1149fs.
Identifiers: ClinVar variation 4715110 (VCV004715110.1).

ClinVar aggregate classification (germline): Pathogenic (1 of 4 stars; one submission).

Conditions:
Duchenne muscular dystrophy (DMD). Also called: MUSCULAR DYSTROPHY, PSEUDOHYPERTROPHIC PROGRESSIVE, DUCHENNE TYPE; Duchenne Muscular Dystrophy (DMD). Identifiers: Orphanet 98896, MedGen C0013264, MONDO:0010679, OMIM 310200.

Submission:

Labcorp Genetics (formerly Invitae), Labcorp
Classification: Pathogenic for Duchenne muscular dystrophy. Last evaluated: 2025-06-18. Review status: criteria provided, single submitter. Criteria: Invitae Variant Classification Sherloc (09022015). Collection method: clinical testing. Allele origin: germline.
Comment: This sequence change creates a premature translational stop signal (p.Lys1153Argfs*23) in the DMD gene. It is expected to result in an absent or disrupted protein product. Loss-of-function variants in DMD are known to be pathogenic (PMID: 16770791, 25007885). This variant is not present in population databases (gnomAD no frequency). This variant has not been reported in the literature in individuals affected with DMD-related conditions. For these reasons, this variant has been classified as Pathogenic.

Literature cited by the submitters: PubMed 16770791; PubMed 25007885.